The following is an entry in ClinVar:

ClinVar aggregate classification (germline): Uncertain significance. Review status: criteria provided, multiple submitters, no conflicts (2 of 4 stars). 7 submissions from 7 submitters: Uncertain significance (7). Last evaluated 2026-03-20.

Conditions:
Hereditary cancer-predisposing syndrome. Also called: Tumor predisposition; Hereditary Cancer Syndrome; Hereditary neoplastic syndrome; Neoplastic Syndromes, Hereditary. Identifiers: Orphanet 140162, MedGen C0027672, MeSH D009386, MONDO:0015356.
Peutz-Jeghers syndrome (PJS). Also called: POLYPOSIS, HAMARTOMATOUS INTESTINAL; POLYPS-AND-SPOTS SYNDROME; Peutz-Jeghers polyposis; Periorificial lentiginosis syndrome. Identifiers: Orphanet 2869, MedGen C0031269, MeSH D010580, MONDO:0008280, OMIM 175200.

Submissions (7):

Ambry Genetics
Classification: Uncertain significance for Hereditary cancer-predisposing syndrome. Last evaluated: 2026-03-20. Review status: criteria provided, single submitter. Criteria: Ambry Variant Classification Scheme 2023. Collection method: clinical testing. Allele origin: germline.
Comment: The p.H202Y variant (also known as c.604C>T), located in coding exon 5 of the STK11 gene, results from a C to T substitution at nucleotide position 604. The histidine at codon 202 is replaced by tyrosine, an amino acid with similar properties. This amino acid position is well conserved in available vertebrate species. In addition, the in silico prediction for this alteration is inconclusive. Based on the available evidence, the clinical significance of this variant remains unclear.

Labcorp Genetics (formerly Invitae), Labcorp
Classification: Uncertain significance for Peutz-Jeghers syndrome. Last evaluated: 2025-08-11. Review status: criteria provided, single submitter. Criteria: Invitae Variant Classification Sherloc (09022015). Collection method: clinical testing. Allele origin: germline.
Comment: This sequence change replaces histidine, which is basic and polar, with tyrosine, which is neutral and polar, at codon 202 of the STK11 protein (p.His202Tyr). This variant is not present in population databases (gnomAD no frequency). This variant has not been reported in the literature in individuals affected with STK11-related conditions. ClinVar contains an entry for this variant (Variation ID: 182908). Invitae Evidence Modeling of protein sequence and biophysical properties (such as structural, functional, and spatial information, amino acid conservation, physicochemical variation, residue mobility, and thermodynamic stability) has been performed for this missense variant. However, the output from this modeling did not meet the statistical confidence thresholds required to predict the impact of this variant on STK11 protein function. In summary, the available evidence is currently insufficient to determine the role of this variant in disease. Therefore, it has been classified as a Variant of Uncertain Significance.

Institute for Biomarker Research, Medical Diagnostic Laboratories, L.L.C.
Classification: Uncertain significance for Hereditary cancer-predisposing syndrome. Last evaluated: 2025-08-04. Review status: criteria provided, single submitter. Criteria: ACMG Guidelines, 2015. Collection method: clinical testing. Allele origin: germline.
Comment: The missense variant NM_000455.5(STK11):c.604C>T (p.His202Tyr) has not been reported previously as a pathogenic variant nor as a benign variant, to our knowledge. The p.His202Tyr variant is novel (not in any individuals) in gnomAD.There is a moderate physicochemical difference between histidine and tyrosine. The gene STK11 has a low rate of benign missense variation as indicated by a high missense variants Z-Score of 1.49. The p.His202Tyr missense variant is predicted to be damaging by both SIFT and PolyPhen2. The nucleotide c.604 in STK11 is predicted conserved by GERP++ and PhyloP across 100 vertebrates. For these reasons, this variant has been classified as Uncertain Significance.

All of Us Research Program, National Institutes of Health
Classification: Uncertain significance for Peutz-Jeghers syndrome. Last evaluated: 2023-06-26. Review status: criteria provided, single submitter. Criteria: ACMG Guidelines, 2015. Collection method: clinical testing. Allele origin: germline. Inheritance: Autosomal dominant inheritance. Observed: 1 variant allele, 1 heterozygote.
Comment: This missense variant replaces histidine with tyrosine at codon 202 of the STK11 protein. Computational prediction suggests that this variant may not impact protein structure and function (internally defined REVEL score threshold <= 0.5, PMID: 27666373). To our knowledge, functional studies have not been reported for this variant. This variant has not been reported in individuals affected with STK11-related disorders in the literature. This variant has not been identified in the general population by the Genome Aggregation Database (gnomAD). The available evidence is insufficient to determine the role of this variant in disease conclusively. Therefore, this variant is classified as a Variant of Uncertain Significance.

This study involves interpretation of variants in research participants for the purpose of population health screening. Participant phenotype was not available at the time of variant classification. Additional details can be found in publication PMID: 35346344, PMCID: PMC8962531

Color Diagnostics, LLC DBA Color Health
Classification: Uncertain significance for Hereditary cancer-predisposing syndrome. Last evaluated: 2023-06-01. Review status: criteria provided, single submitter. Criteria: ACMG Guidelines, 2015. Collection method: clinical testing. Allele origin: germline.
Comment: This missense variant replaces histidine with tyrosine at codon 202 of the STK11 protein. Computational prediction suggests that this variant may not impact protein structure and function (internally defined REVEL score threshold <= 0.5, PMID: 27666373). To our knowledge, functional studies have not been reported for this variant. This variant has not been reported in individuals affected with STK11-related disorders in the literature. This variant has not been identified in the general population by the Genome Aggregation Database (gnomAD). The available evidence is insufficient to determine the role of this variant in disease conclusively. Therefore, this variant is classified as a Variant of Uncertain Significance.

Genome-Nilou Lab
Classification: Uncertain significance for Peutz-Jeghers syndrome. Last evaluated: 2021-07-15. Review status: criteria provided, single submitter. Criteria: ACMG Guidelines, 2015. Collection method: clinical testing. Allele origin: germline. Affected: no.

GeneDx
Classification: Uncertain significance. Last evaluated: 2015-08-08. Review status: criteria provided, single submitter. Criteria: GeneDx Variant Classification (06012015). Collection method: clinical testing. Allele origin: germline. Affected: yes.
Comment: This variant is denoted STK11 c.604C>T at the cDNA level, p.His202Tyr (H202Y) at the protein level, and results in the change of a Histidine to a Tyrosine (CAC>TAC). This variant has not, to our knowledge, been published in the literature as pathogenic or benign. STK11 His202Tyr was not observed in approximately 6,000 individuals of European and African American ancestry in the NHLBI Exome Sequencing Project, indicating it is not a common benign variant in these populations. Since Histidine and Tyrosine differ in polarity, charge, size or other properties, this is considered a non-conservative amino acid substitution. STK11 His202Tyr occurs at a position that is conserved across species and is located within the region responsible for binding of substrate and initiation of phospho transfer (Hearle 2006). In silico analyses predict that this variant is probably damaging to protein structure and function. Based on currently available information, it is unclear whether STK11 His202Tyr is pathogenic or benign. We consider it to be a variant of uncertain significance.

NM_000455.5(STK11):c.604C>T (p.His202Tyr)

Gene: STK11 (serine/threonine kinase 11; plus strand). Cytogenetic location: 19p13.3.
Variant type: single nucleotide variant.
Coding change: c.604C>T on transcript NM_000455.5 (MANE Select); coding-DNA position 604, C replaced by T.
Protein change: p.His202Tyr; replaces histidine 202 with tyrosine.
Molecular consequence: missense variant.
Genome position (GRCh38, 1-based): chr19:1,220,587, C>T. VCF-style: chr19-1220587-C-T. GRCh37 (hg19) VCF-style: chr19-1220586-C-T.
Other names: p.H202Y:CAC>TAC; short protein forms H202Y.
Identifiers: ClinVar variation 182908 (VCV000182908.24), dbSNP rs730881980, ClinGen allele CA023127.